The following is an entry in ClinVar:

ClinVar aggregate classification (germline): Uncertain significance (1 of 4 stars; one submission).

Submission:

GeneDx
Classification: Uncertain significance. Last evaluated: 2022-01-24. Review status: criteria provided, single submitter. Criteria: GeneDx Variant Classification Process June 2021. Collection method: clinical testing. Allele origin: germline. Affected: yes.
Comment: Not observed at significant frequency in large population cohorts (gnomAD); In silico analysis supports that this missense variant does not alter protein structure/function; Has not been previously published as pathogenic or benign to our knowledge

NM_005909.5(MAP1B):c.3745G>C (p.Glu1249Gln)

Gene: MAP1B (microtubule associated protein 1B; plus strand). Cytogenetic location: 5q13.2.
Variant type: single nucleotide variant.
Coding change: c.3745G>C on transcript NM_005909.5 (MANE Select); coding-DNA position 3745, G replaced by C.
Protein change: p.Glu1249Gln; replaces glutamic acid 1249 with glutamine.
Molecular consequence: missense variant.
Genome position (GRCh38, 1-based): chr5:72,197,100, G>C. VCF-style: chr5-72197100-G-C. GRCh37 (hg19) VCF-style: chr5-71492927-G-C.
Other names: c.3367G>C, p.Glu1123Gln (NM_001324255.2); short protein forms E1123Q, E1249Q.
Identifiers: ClinVar variation 1698239 (VCV001698239.2), dbSNP rs2112238227, ClinGen allele CA360013102.